The following is an entry in ClinVar:

NM_002439.5(MSH3):c.1148A>G (p.Lys383Arg)

Gene: MSH3 (mutS homolog 3; plus strand). Cytogenetic location: 5q14.1.
Variant type: single nucleotide variant.
Coding change: c.1148A>G on transcript NM_002439.5 (MANE Select); coding-DNA position 1148, A replaced by G.
Protein change: p.Lys383Arg; replaces lysine 383 with arginine.
Molecular consequence: missense variant.
Genome position (GRCh38, 1-based): chr5:80,675,103, A>G. VCF-style: chr5-80675103-A-G. GRCh37 (hg19) VCF-style: chr5-79970922-A-G.
Other names: c.1148A>G (NM_002439.3); short protein forms K383R.
Identifiers: ClinVar variation 1007279 (VCV001007279.17), dbSNP rs71539687, ClinGen allele CA121295206.

ClinVar aggregate classification (germline): Uncertain significance. Review status: criteria provided, multiple submitters, no conflicts (2 of 4 stars). 3 submissions from 3 submitters: Uncertain significance (3). Last evaluated 2025-03-04.

Conditions:
Hereditary cancer-predisposing syndrome. Also called: Tumor predisposition; Hereditary neoplastic syndrome; Neoplastic Syndromes, Hereditary; Hereditary Cancer Syndrome. Identifiers: Orphanet 140162, MedGen C0027672, MeSH D009386, MONDO:0015356.

Allele frequency attached by ClinVar (database versions not stated): gnomAD exomes below 0.00001; TOPMed below 0.00001.
gnomAD v4.1: 2 of 1,613,858 alleles (0.00012%); highest among the groups gnomAD compares: Non-Finnish European, 0.00017%; no homozygotes.

Submissions (3):

Center for Genomic Medicine, Rigshospitalet, Copenhagen University Hospital
Classification: Uncertain significance. Last evaluated: 2025-03-04. Review status: criteria provided, single submitter. Criteria: ACMG Guidelines, 2015. Collection method: clinical testing. Allele origin: germline.

Labcorp Genetics (formerly Invitae), Labcorp
Classification: Uncertain significance. Last evaluated: 2025-03-04. Review status: criteria provided, single submitter. Criteria: Invitae Variant Classification Sherloc (09022015). Collection method: clinical testing. Allele origin: germline.
Comment: This sequence change replaces lysine, which is basic and polar, with arginine, which is basic and polar, at codon 383 of the MSH3 protein (p.Lys383Arg). This variant is not present in population databases (gnomAD no frequency). This variant has not been reported in the literature in individuals affected with MSH3-related conditions. ClinVar contains an entry for this variant (Variation ID: 1007279). An algorithm developed to predict the effect of missense changes on protein structure and function outputs the following: PolyPhen-2: "Benign". The arginine amino acid residue is found in multiple mammalian species, which suggests that this missense change does not adversely affect protein function. In summary, the available evidence is currently insufficient to determine the role of this variant in disease. Therefore, it has been classified as a Variant of Uncertain Significance.

Ambry Genetics
Classification: Uncertain significance for Hereditary cancer-predisposing syndrome. Last evaluated: 2024-03-18. Review status: criteria provided, single submitter. Criteria: Ambry Variant Classification Scheme 2023. Collection method: clinical testing. Allele origin: germline.
Comment: The p.K383R variant (also known as c.1148A>G), located in coding exon 7 of the MSH3 gene, results from an A to G substitution at nucleotide position 1148. The lysine at codon 383 is replaced by arginine, an amino acid with highly similar properties. This amino acid position is well conserved in available vertebrate species. In addition, this alteration is predicted to be tolerated by in silico analysis. Since supporting evidence is limited at this time, the clinical significance of this alteration remains unclear.